The following is an entry in ClinVar:

ClinVar aggregate classification (germline): Likely benign (0 of 4 stars; one submission).

Conditions:
ACE-related disorder. Also called: ACE-related disorders; ACE-related condition.

Submission:

PreventionGenetics, part of Exact Sciences
Classification: Likely benign for ACE-related condition. Last evaluated: 2019-09-16. Review status: no assertion criteria provided. Collection method: clinical testing. Allele origin: germline.
Comment: This variant is classified as likely benign based on ACMG/AMP sequence variant interpretation guidelines (Richards et al. 2015 PMID: 25741868, with internal and published modifications).

NM_000789.4(ACE):c.3691+9del

Gene: ACE (angiotensin I converting enzyme; plus strand). Cytogenetic location: 17q23.3.
Variant type: Deletion.
Coding change: c.3691+9del on transcript NM_000789.4 (MANE Select); 9 bases into the intron after coding-DNA position 3691, one base deleted (A; older notation c.3691+9delA).
Molecular consequence: intron variant.
Genome position (GRCh38, 1-based): chr17:63,496,994, A deleted. VCF-style (leftmost placement, unchanged base first): chr17-63496993-CA-C. GRCh37 (hg19) VCF-style: chr17-61574354-CA-C.
Other names: c.2839+9del (NM_001382701.1); c.3124+9del (NM_001382700.1); c.1969+9del (NM_152830.3); c.1846+9del (NM_001178057.2); c.1306+9del (NM_001382702.1).
Identifiers: ClinVar variation 3040260 (VCV003040260.2), dbSNP rs2147579256, ClinGen allele CA2639243048.